The following is an entry in ClinVar:

NM_016222.4(DDX41):c.892A>G (p.Ile298Val)

Gene: DDX41 (DEAD-box helicase 41; minus strand). Cytogenetic location: 5q35.3.
Variant type: single nucleotide variant.
Coding change: c.892A>G on transcript NM_016222.4 (MANE Select); coding-DNA position 892, A replaced by G.
Protein change: p.Ile298Val; replaces isoleucine 298 with valine.
Molecular consequence: missense variant.
Genome position (GRCh38, 1-based): chr5:177,514,744, T>C on the plus strand (A>G on the coding strand, the complement: DDX41 is on the minus strand). VCF-style: chr5-177514744-T-C. GRCh37 (hg19) VCF-style: chr5-176941745-T-C.
Other names: c.514A>G, p.Ile172Val (NM_001321732.2, NM_001321830.2); short protein forms I172V, I298V.
Identifiers: ClinVar variation 2783534 (VCV002783534.3), dbSNP rs1561733539, ClinGen allele CA362374731.

ClinVar aggregate classification (germline): Uncertain significance (1 of 4 stars; one submission).

Submission:

Labcorp Genetics (formerly Invitae), Labcorp
Classification: Uncertain significance. Last evaluated: 2024-10-15. Review status: criteria provided, single submitter. Criteria: Invitae Variant Classification Sherloc (09022015). Collection method: clinical testing. Allele origin: germline.
Comment: This sequence change replaces isoleucine, which is neutral and non-polar, with valine, which is neutral and non-polar, at codon 298 of the DDX41 protein (p.Ile298Val). This variant is not present in population databases (gnomAD no frequency). This variant has not been reported in the literature in individuals affected with DDX41-related conditions. An algorithm developed to predict the effect of missense changes on protein structure and function (PolyPhen-2) suggests that this variant is likely to be disruptive. In summary, the available evidence is currently insufficient to determine the role of this variant in disease. Therefore, it has been classified as a Variant of Uncertain Significance.